The following is an entry in ClinVar:

ClinVar aggregate classification (germline): Uncertain significance. Review status: criteria provided, multiple submitters, no conflicts (2 of 4 stars). 5 submissions from 5 submitters: Uncertain significance (4). 1 of the submissions does not count toward it. Last evaluated 2023-04-11.

Conditions:
Glycogen storage disease type III (GSD3). Also called: FORBES DISEASE; Cori disease. Identifiers: Orphanet 366, MedGen C0017922, MONDO:0009291, OMIM 232400.

Allele frequency attached by ClinVar (database versions not stated): gnomAD 0.00001 and 0.00005; TOPMed 0.00003; gnomAD exomes 0.00004 and 0.00007; ExAC 0.00012; 1000 Genomes Project 30x 0.00031; 1000 Genomes Project 0.00040.
gnomAD v4.1: 65 of 1,612,802 alleles (0.004%); highest among the groups gnomAD compares: South Asian, 0.054%; 1 homozygote.

Submissions (5):

Genome-Nilou Lab
Classification: Uncertain significance for Glycogen storage disease type III. Last evaluated: 2023-04-11. Review status: criteria provided, single submitter. Criteria: ACMG Guidelines, 2015. Collection method: clinical testing. Allele origin: germline. Affected: no.

Labcorp Genetics (formerly Invitae), Labcorp
Classification: Uncertain significance for Glycogen storage disease type III. Last evaluated: 2022-07-30. Review status: criteria provided, single submitter. Criteria: Invitae Variant Classification Sherloc (09022015). Collection method: clinical testing. Allele origin: germline.
Comment: This sequence change replaces arginine, which is basic and polar, with histidine, which is basic and polar, at codon 1460 of the AGL protein (p.Arg1460His). This variant is present in population databases (rs546855663, gnomAD 0.04%). This variant has not been reported in the literature in individuals affected with AGL-related conditions. ClinVar contains an entry for this variant (Variation ID: 853019). Algorithms developed to predict the effect of missense changes on protein structure and function are either unavailable or do not agree on the potential impact of this missense change (SIFT: "Deleterious"; PolyPhen-2: "Probably Damaging"; Align-GVGD: "Class C0"). Algorithms developed to predict the effect of sequence changes on RNA splicing suggest that this variant may disrupt the consensus splice site. In summary, the available evidence is currently insufficient to determine the role of this variant in disease. Therefore, it has been classified as a Variant of Uncertain Significance.

Fulgent Genetics
Classification: Uncertain significance for Glycogen storage disease type III. Last evaluated: 2021-09-16. Review status: criteria provided, single submitter. Criteria: ACMG Guidelines, 2015. Collection method: clinical testing. Allele origin: unknown.

Neuberg Centre For Genomic Medicine, NCGM
Classification: Uncertain significance for Glycogen storage disease type III. Review status: criteria provided, single submitter. Criteria: ACMG Guidelines, 2015. Collection method: clinical testing. Allele origin: germline. Inheritance: Autosomal recessive inheritance. Affected: yes.
Comment: The missense variant p.R1460H in AGL (NM_000642.3) has not been reported previously as a pathogenic variant nor as a benign variant, to our knowledge. The p.R1460H variant is observed in 2/978 (0.2045%) alleles from individuals of South Asian background in 1000 Genomes, which is greater than expected for the disorder.The p.R1460H missense variant is predicted to be damaging by both SIFT and PolyPhen2. The histidine residue at codon 1460 of AGL is only present in a single other mammalian species: Squirrel. The nucleotide c.4379 in AGL is predicted conserved by GERP++ and PhyloP across 100 vertebrates. For these reasons, this variant has been classified as Uncertain Significance.

Natera, Inc.
Classification: Uncertain significance for Glycogen storage disease type III. Last evaluated: 2021-04-19. Review status: no assertion criteria provided. Collection method: clinical testing. Allele origin: germline. Not counted in ClinVar's aggregate classification.

NM_000642.3(AGL):c.4379G>A (p.Arg1460His)

Gene: AGL (amylo-alpha-1,6-glucosidase and 4-alpha-glucanotransferase; plus strand). Cytogenetic location: 1p21.2.
Variant type: single nucleotide variant.
Coding change: c.4379G>A on transcript NM_000642.3 (MANE Select); coding-DNA position 4379, G replaced by A.
Protein change: p.Arg1460His; replaces arginine 1460 with histidine.
Molecular consequence: missense variant.
Genome position (GRCh38, 1-based): chr1:99,916,629, G>A. VCF-style: chr1-99916629-G-A. GRCh37 (hg19) VCF-style: chr1-100382185-G-A.
Other names: c.4379G>A, p.Arg1460His (NM_000028.3, NM_000643.3, NM_000644.3 and 1 more transcripts); c.4331G>A, p.Arg1444His (NM_000646.3); c.4358G>A, p.Arg1453His (NM_001425326.1); c.4178G>A, p.Arg1393His (NM_001425327.1); c.4175G>A, p.Arg1392His (NM_001425328.1); c.4040G>A, p.Arg1347His (NM_001425329.1); c.4001G>A, p.Arg1334His (NM_001425332.1); short protein forms R1444H, R1460H, R1334H, R1347H, R1392H, R1393H, R1453H.
Identifiers: ClinVar variation 853019 (VCV000853019.10), dbSNP rs546855663, ClinGen allele CA967431.